The following is an entry in ClinVar:

ClinVar aggregate classification (germline): Benign (1 of 4 stars; one submission).

Conditions:
Familial cancer of breast. Also called: hereditary breast carcinoma; Hereditary breast cancer; BREAST CANCER, FAMILIAL. Identifiers: Orphanet 227535, MedGen C0346153, MONDO:0016419, OMIM 114480. Disease mechanism: loss of function.

Submission:

Myriad Genetics, Inc.
Classification: Benign for Familial cancer of breast. Last evaluated: 2024-09-05. Review status: criteria provided, single submitter. Criteria: Myriad Autosomal Dominant, Autosomal Recessive and X-Linked Classification Criteria (2023). Collection method: clinical testing. Allele origin: unknown.
Comment: This variant is considered benign. This variant is a silent/synonymous amino acid change and it is not expected to impact splicing.

NM_032043.3(BRIP1):c.2484C>G (p.Ala828=)

Gene: BRIP1 (BRCA1 interacting DNA helicase 1; minus strand). Cytogenetic location: 17q23.2.
Variant type: single nucleotide variant.
Coding change: c.2484C>G on transcript NM_032043.3 (MANE Select); coding-DNA position 2484, C replaced by G.
Protein change: p.Ala828=; no amino-acid change (alanine 828 retained).
Molecular consequence: synonymous variant.
Genome position (GRCh38, 1-based): chr17:61,715,959, G>C on the plus strand (C>G on the coding strand, the complement: BRIP1 is on the minus strand). VCF-style: chr17-61715959-G-C. GRCh37 (hg19) VCF-style: chr17-59793320-G-C.
Identifiers: ClinVar variation 3379014 (VCV003379014.1).
Genomic context (GRCh38, chr17:61,715,959, plus strand): 5'-ATATATATAGCCCTGTCACAGATAATATTATATTAAATTTCACTCCACTTACCTACCAAG[G>C]GCCTGGTTTAAGGCCCTGTATGCTTGAATTTCATACCACTGACGGCCAGGTAGAAGACCT-3'
Protein context (NP_114432.2, residues 818-838): EIQAYRALNQ[Ala828=]LGRCIRHRND